The following is an entry in ClinVar:

ClinVar aggregate classification (germline): Likely benign. Review status: criteria provided, multiple submitters, no conflicts (2 of 4 stars). 2 submissions from 2 submitters: Likely benign (2). Last evaluated 2024-08-01.

Conditions:
Joubert syndrome. Also called: Familial aplasia of the vermis; JOUBERT-BOLTSHAUSER SYNDROME. Identifiers: Orphanet 475, MedGen C5979921, MONDO:0018772.
Orofaciodigital syndrome I (OFD1). Also called: Oral-Facial-Digital Syndrome Type I; Papillon-Leage and Psaume Syndrome; OFDS I. Identifiers: Orphanet 2750, MedGen C1510460, MONDO:0010702, OMIM 311200.

Allele frequency attached by ClinVar (database versions not stated): gnomAD 0.00001; TOPMed 0.00002.

Submissions (2):

CeGaT Center for Human Genetics Tuebingen
Classification: Likely benign. Last evaluated: 2024-08-01. Review status: criteria provided, single submitter. Criteria: CeGaT Center For Human Genetics Tuebingen Variant Classification Criteria Version 2. Collection method: clinical testing. Allele origin: germline. Affected: yes. Observed: 1 variant allele.
Comment: OFD1: PM2:Supporting, BP4, BP7

Labcorp Genetics (formerly Invitae), Labcorp
Classification: Likely benign for Orofaciodigital syndrome I; Joubert syndrome. Last evaluated: 2022-11-11. Review status: criteria provided, single submitter. Criteria: Invitae Variant Classification Sherloc (09022015). Collection method: clinical testing. Allele origin: germline.

NM_003611.3(OFD1):c.1617T>G (p.Val539=)

Gene: OFD1 (OFD1 centriole and centriolar satellite protein; plus strand). Cytogenetic location: Xp22.2.
Variant type: single nucleotide variant.
Coding change: c.1617T>G on transcript NM_003611.3 (MANE Select); coding-DNA position 1617, T replaced by G.
Protein change: p.Val539=; no amino-acid change (valine 539 retained).
Molecular consequence: synonymous variant.
Genome position (GRCh38, 1-based): chrX:13,758,411, T>G. VCF-style: chrX-13758411-T-G. GRCh37 (hg19) VCF-style: chrX-13776530-T-G.
Other names: c.1497T>G, p.Val499= (NM_001330209.2); c.1197T>G, p.Val399= (NM_001330210.2).
Identifiers: ClinVar variation 749707 (VCV000749707.24), dbSNP rs1156292139, ClinGen allele CA515466168.
Genomic context (GRCh38, chrX:13,758,411, plus strand): 5'-ACAGCTGAAGGCCCAGATTCTAGGTTACAAAGCTTCTGTAAAGAGTTTAACTACTCAGGT[T>G]GCCGATTTAAAATTGCAACTGAAGCAAACTCAGACAGGTTAGAGACGTTTTAACCCATAA-3'
Protein context (NP_003602.1, residues 529-549): KASVKSLTTQ[Val539=]ADLKLQLKQT